The following is an entry in ClinVar:

ClinVar aggregate classification (germline): Uncertain significance (1 of 4 stars; one submission).

Submission:

GeneDx
Classification: Uncertain significance. Last evaluated: 2025-01-17. Review status: criteria provided, single submitter. Criteria: GeneDx Variant Classification Process June 2021. Collection method: clinical testing. Allele origin: germline. Affected: yes.
Comment: Not observed at significant frequency in large population cohorts (gnomAD); In silico analysis supports that this missense variant has a deleterious effect on protein structure/function; Has not been previously published as pathogenic or benign to our knowledge

NM_003024.3(ITSN1):c.5C>T (p.Ala2Val)

Gene: ITSN1 (intersectin 1; plus strand). Cytogenetic location: 21q22.11.
Variant type: single nucleotide variant.
Coding change: c.5C>T on transcript NM_003024.3 (MANE Select); coding-DNA position 5, C replaced by T.
Protein change: p.Ala2Val; replaces alanine 2 with valine.
Molecular consequence: missense variant.
Genome position (GRCh38, 1-based): chr21:33,718,833, C>T. VCF-style: chr21-33718833-C-T. GRCh37 (hg19) VCF-style: chr21-35091138-C-T.
Other names: c.5C>T, p.Ala2Val (NM_001001132.2, NM_001331008.2, NM_001331009.2 and 3 more transcripts); short protein forms A2V.
Identifiers: ClinVar variation 4070854 (VCV004070854.1).